The following is an entry in ClinVar:

ClinVar aggregate classification (germline): Uncertain significance (1 of 4 stars; one submission).

Submission:

Labcorp Genetics (formerly Invitae), Labcorp
Classification: Uncertain significance. Last evaluated: 2022-03-27. Review status: criteria provided, single submitter. Criteria: Invitae Variant Classification Sherloc (09022015). Collection method: clinical testing. Allele origin: germline.
Comment: In summary, the available evidence is currently insufficient to determine the role of this variant in disease. Therefore, it has been classified as a Variant of Uncertain Significance. Algorithms developed to predict the effect of missense changes on protein structure and function output the following: SIFT: "Deleterious"; PolyPhen-2: "Possibly Damaging"; Align-GVGD: "Class C0". The histidine amino acid residue is found in multiple mammalian species, which suggests that this missense change does not adversely affect protein function. This variant has not been reported in the literature in individuals affected with HMCN1-related conditions. This variant is not present in population databases (gnomAD no frequency). This sequence change replaces glutamine, which is neutral and polar, with histidine, which is basic and polar, at codon 4500 of the HMCN1 protein (p.Gln4500His).

NM_031935.3(HMCN1):c.13500G>C (p.Gln4500His)

Gene: HMCN1 (hemicentin 1; plus strand). Cytogenetic location: 1q31.1.
Variant type: single nucleotide variant.
Coding change: c.13500G>C on transcript NM_031935.3 (MANE Select); coding-DNA position 13500, G replaced by C.
Protein change: p.Gln4500His; replaces glutamine 4500 with histidine.
Molecular consequence: missense variant.
Genome position (GRCh38, 1-based): chr1:186,136,855, G>C. VCF-style: chr1-186136855-G-C. GRCh37 (hg19) VCF-style: chr1-186105987-G-C.
Other names: short protein forms Q4500H.
Identifiers: ClinVar variation 2118045 (VCV002118045.4), dbSNP rs2528093108, ClinGen allele CA343910938.
Genomic context (GRCh38, chr1:186,136,855, plus strand): 5'-TTCCTGGGATGACCGGGTTAACGTGTTGTCCAACAACTCATTATATATTGCTGATGCTCA[G>C]AAAGAAGATACCTCTGAATTTGAATGTGTTGCTCGAAACTTAATGGGTTCTGTCCTTGTC-3'
Protein context (NP_114141.2, residues 4490-4510): SNNSLYIADA[Gln4500His]KEDTSEFECV